The following is an entry in ClinVar:

NM_153700.2(STRC):c.436G>A (p.Gly146Arg)

Gene: STRC (stereocilin; minus strand). Cytogenetic location: 15q15.3.
Variant type: single nucleotide variant.
Coding change: c.436G>A on transcript NM_153700.2 (MANE Select); coding-DNA position 436, G replaced by A.
Protein change: p.Gly146Arg; replaces glycine 146 with arginine.
Molecular consequence: missense variant.
Genome position (GRCh38, 1-based): chr15:43,617,985, C>T on the plus strand (G>A on the coding strand, the complement: STRC is on the minus strand). VCF-style: chr15-43617985-C-T. GRCh37 (hg19) VCF-style: chr15-43910183-C-T.
Other names: short protein forms G146R.
Identifiers: ClinVar variation 229279 (VCV000229279.5), dbSNP rs757152351, ClinGen allele CA7528467.

ClinVar aggregate classification (germline): Uncertain significance (1 of 4 stars; one submission).

Allele frequency attached by ClinVar (database versions not stated): gnomAD 0.00001; ExAC 0.00002.

Submission:

Laboratory for Molecular Medicine, Mass General Brigham Personalized Medicine
Classification: Uncertain significance. Last evaluated: 2015-05-05. Review status: criteria provided, single submitter. Criteria: LMM Criteria. Collection method: clinical testing. Allele origin: germline. Observed: 1 variant allele.
Comment: The p.Gly146Arg variant in STRC has not been previously reported in individuals with hearing loss. Data from large population studies are insufficient to asses s the frequency of this variant. Computational prediction tools and conservatio n analyses do not provide strong support for or against an impact to the protein . In summary, the clinical significance of the Gly146Arg variant is uncertain.